The following is an entry in ClinVar:

NM_003060.4(SLC22A5):c.426_436delinsG (p.Pro143fs)

Gene: SLC22A5 (solute carrier family 22 member 5; plus strand). Cytogenetic location: 5q31.1.
Variant type: Indel.
Coding change: c.426_436delinsG on transcript NM_003060.4 (MANE Select); coding-DNA positions 426 to 436, CCCACTCACAA replaced by G.
Protein change: p.Pro143fs; shifts the reading frame from proline 143.
Molecular consequence: frameshift variant.
Genome position (GRCh38, 1-based): chr5:132,378,410-132,378,420, CCCACTCACAA replaced by G. VCF-style: chr5-132378410-CCCACTCACAA-G. GRCh37 (hg19) VCF-style: chr5-131714102-CCCACTCACAA-G.
Other names: c.498_508delinsG, p.Pro167fs (NM_001308122.2); short protein forms P143fs, P167fs.
Identifiers: ClinVar variation 4815089 (VCV004815089.1).

ClinVar aggregate classification (germline): Likely pathogenic (1 of 4 stars; one submission).

Conditions:
Carnitine deficiency. Identifiers: MedGen C1142132.

Submission:

Natera, Inc.
Classification: Likely pathogenic for Carnitine deficiency. Last evaluated: 2025-11-09. Review status: criteria provided, single submitter. Criteria: Natera Variant Classification Schema (03/2026). Collection method: clinical testing. Allele origin: germline.
Comment: The c.426_436delinsG variant in SLC22A5 is a frameshift variant predicted to shift the reading frame beginning at codon 143 and leads to a stop codon 30 codons downstream. This variant is expected to result in nonsense mediated decay, truncation, or a dysfunctional protein product. This variant is rare in the general population with a frequency below the threshold expected for the associated phenotype(s). Given the available evidence, this variant is classified as Likely Pathogenic.